The following is an entry in ClinVar:

NM_001080421.3(UNC13A):c.4272+1G>A

Gene: UNC13A (unc-13 homolog A; minus strand). Cytogenetic location: 19p13.11.
Variant type: single nucleotide variant.
Coding change: c.4272+1G>A on transcript NM_001080421.3 (MANE Select); the canonical splice donor site of the intron after coding-DNA position 4272, G replaced by A.
Molecular consequence: splice donor variant. On other transcripts: intron variant (1).
Genome position (GRCh38, 1-based): chr19:17,620,692, C>T on the plus strand (G>A on the coding strand, the complement: UNC13A is on the minus strand). VCF-style: chr19-17620692-C-T. GRCh37 (hg19) VCF-style: chr19-17731501-C-T.
Other names: c.4257+1G>A (NM_001387022.1); c.4192-1730G>A (NM_001387023.1); c.4260+1G>A (NM_001387021.1).
Identifiers: ClinVar variation 4975161 (VCV004975161.1).

ClinVar aggregate classification (germline): Uncertain significance (1 of 4 stars; one submission).

gnomAD v4.1: 8 of 1,613,212 alleles (0.0005%); highest among the groups gnomAD compares: Non-Finnish European, 0.00059%; no homozygotes.

Submission:

GeneDx
Classification: Uncertain significance. Last evaluated: 2026-02-26. Review status: criteria provided, single submitter. Criteria: GeneDx Variant Classification Process June 2021. Collection method: clinical testing. Allele origin: germline.
Comment: Canonical splice site variant with an unclear effect on protein function; Has not been previously published as pathogenic or benign to our knowledge